The following is an entry in ClinVar:

NM_022489.4(INF2):c.2868C>G (p.Asp956Glu)

Gene: INF2 (inverted formin 2; plus strand). Cytogenetic location: 14q32.33.
Variant type: single nucleotide variant.
Coding change: c.2868C>G on transcript NM_022489.4 (MANE Select); coding-DNA position 2868, C replaced by G.
Protein change: p.Asp956Glu; replaces aspartic acid 956 with glutamic acid.
Molecular consequence: missense variant.
Genome position (GRCh38, 1-based): chr14:104,713,299, C>G. VCF-style: chr14-104713299-C-G. GRCh37 (hg19) VCF-style: chr14-105179636-C-G.
Other names: c.2868C>G, p.Asp956Glu (NM_001031714.4); short protein forms D956E.
Identifiers: ClinVar variation 1502145 (VCV001502145.9), dbSNP rs748088770, ClinGen allele CA391222812.

ClinVar aggregate classification (germline): Uncertain significance. Review status: criteria provided, multiple submitters, no conflicts (2 of 4 stars). 2 submissions from 2 submitters: Uncertain significance (2). Last evaluated 2024-04-01.

Conditions:
Charcot-Marie-Tooth disease dominant intermediate E. Also called: CHARCOT-MARIE-TOOTH NEUROPATHY WITH FOCAL SEGMENTAL GLOMERULONEPHRITIS. Identifiers: Orphanet 93114, MedGen C4302667, MONDO:0013758, OMIM 614455.
Focal segmental glomerulosclerosis 5 (FSGS5). Identifiers: Orphanet 656, MedGen C2750475, MONDO:0013191, OMIM 613237.

gnomAD v4.1: 13 of 1,550,482 alleles (0.00084%); highest among the groups gnomAD compares: Non-Finnish European, 0.0011%; no homozygotes.

Submissions (2):

Fulgent Genetics
Classification: Uncertain significance for Focal segmental glomerulosclerosis 5; Charcot-Marie-Tooth disease dominant intermediate E. Last evaluated: 2024-04-01. Review status: criteria provided, single submitter. Criteria: ACMG Guidelines, 2015. Collection method: clinical testing. Allele origin: germline.

Labcorp Genetics (formerly Invitae), Labcorp
Classification: Uncertain significance for Charcot-Marie-Tooth disease dominant intermediate E; Focal segmental glomerulosclerosis 5. Last evaluated: 2021-02-22. Review status: criteria provided, single submitter. Criteria: Invitae Variant Classification Sherloc (09022015). Collection method: clinical testing. Allele origin: germline.
Comment: This sequence change replaces aspartic acid with glutamic acid at codon 956 of the INF2 protein (p.Asp956Glu). The aspartic acid residue is weakly conserved and there is a small physicochemical difference between aspartic acid and glutamic acid. This variant is not present in population databases (ExAC no frequency). This variant has not been reported in the literature in individuals with INF2-related conditions. Algorithms developed to predict the effect of missense changes on protein structure and function output the following: SIFT: "Tolerated"; PolyPhen-2: "Not Available"; Align-GVGD: "Class C0". The glutamic acid amino acid residue is found in multiple mammalian species, suggesting that this missense change does not adversely affect protein function. These predictions have not been confirmed by published functional studies and their clinical significance is uncertain. In summary, the available evidence is currently insufficient to determine the role of this variant in disease. Therefore, it has been classified as a Variant of Uncertain Significance.